The following is an entry in ClinVar:

NM_053025.4(MYLK):c.3403G>A (p.Gly1135Arg)

Gene: MYLK (myosin light chain kinase; minus strand). Cytogenetic location: 3q21.1.
Variant type: single nucleotide variant.
Coding change: c.3403G>A on transcript NM_053025.4 (MANE Select); coding-DNA position 3403, G replaced by A.
Protein change: p.Gly1135Arg; replaces glycine 1135 with arginine.
Molecular consequence: missense variant.
Genome position (GRCh38, 1-based): chr3:123,700,065, C>T on the plus strand (G>A on the coding strand, the complement: MYLK is on the minus strand). VCF-style: chr3-123700065-C-T. GRCh37 (hg19) VCF-style: chr3-123418912-C-T.
Other names: c.2875G>A, p.Gly959Arg (NM_001321309.2); c.3196G>A, p.Gly1066Arg (NM_053026.4, NM_053028.4); c.3403G>A, p.Gly1135Arg (NM_053027.4); short protein forms G1066R, G1135R, G959R.
Identifiers: ClinVar variation 1315736 (VCV001315736.4), dbSNP rs777923531, ClinGen allele CA069626.

ClinVar aggregate classification (germline): Uncertain significance. Review status: criteria provided, multiple submitters, no conflicts (2 of 4 stars). 2 submissions from 2 submitters: Uncertain significance (2). Last evaluated 2020-01-17.

Conditions:
Familial thoracic aortic aneurysm and aortic dissection (TAAD). Also called: Thoracic aortic aneurysms and dissections. Identifiers: Orphanet 91387, MedGen C4707243, MONDO:0019625.

Allele frequency attached by ClinVar (database versions not stated): ExAC 0.00001; gnomAD exomes 0.00001 and 0.00002; gnomAD 0.00002.
gnomAD v4.1: 12 of 1,613,924 alleles (0.00074%); highest among the groups gnomAD compares: Admixed American, 0.0017%; no homozygotes.

Submissions (2):

GeneDx
Classification: Uncertain significance. Last evaluated: 2020-01-17. Review status: criteria provided, single submitter. Criteria: GeneDx Variant Classification Process June 2021. Collection method: clinical testing. Allele origin: germline. Affected: yes.
Comment: Reported in two patients with abdominal aortic aneurysm in one family (van de Luijtgaarden et al., 2015); Not observed at a significant frequency in large population cohorts (Lek et al., 2016); In silico analysis, which includes protein predictors and evolutionary conservation, supports a deleterious effect; This variant is associated with the following publications: (PMID: 26017485)

Ambry Genetics
Classification: Uncertain significance for Familial thoracic aortic aneurysm and aortic dissection. Last evaluated: 2018-04-25. Review status: criteria provided, single submitter. Criteria: Ambry Variant Classification Scheme 2023. Collection method: clinical testing. Allele origin: germline.
Comment: The p.G1135R variant (also known as c.3403G>A), located in coding exon 15 of the MYLK gene, results from a G to A substitution at nucleotide position 3403. The glycine at codon 1135 is replaced by arginine, an amino acid with dissimilar properties. This alteration has been reported in two affected members of a family with abdominal aortic aneurysm and some connective tissue findings (van de Luijtgaarden KM et al. Hum. Genet., 2015 Aug;134:881-93). This amino acid position is well conserved in available vertebrate species. In addition, the in silico prediction for this alteration is inconclusive. Since supporting evidence is limited at this time, the clinical significance of this alteration remains unclear.

Literature cited by the submitters: PubMed 26017485 (cited by Ambry Genetics).